The following is an entry in ClinVar:

ClinVar aggregate classification (germline): Likely benign (0 of 4 stars; one submission).

Conditions:
GNAS-related disorder. Identifiers: MedGen CN380105.

Allele frequency attached by ClinVar (database versions not stated): TOPMed 0.00001; gnomAD 0.00002; gnomAD exomes 0.00005; ExAC 0.00018.
gnomAD v4.1: 70 of 1,610,954 alleles (0.0043%); highest among the groups gnomAD compares: South Asian, 0.067%; no homozygotes.

Submission:

PreventionGenetics, part of Exact Sciences
Classification: Likely benign for GNAS-related condition. Last evaluated: 2023-11-22. Review status: no assertion criteria provided. Collection method: clinical testing. Allele origin: germline.
Comment: This variant is classified as likely benign based on ACMG/AMP sequence variant interpretation guidelines (Richards et al. 2015 PMID: 25741868, with internal and published modifications).

NM_080425.4(GNAS):c.768G>C (p.Ala256=)

Gene: GNAS (GNAS complex locus; plus strand). Cytogenetic location: 20q13.32.
Variant type: single nucleotide variant.
Coding change: c.768G>C on transcript NM_080425.4 (MANE Plus Clinical); coding-DNA position 768, G replaced by C.
Protein change: p.Ala256=; no amino-acid change (alanine 256 retained).
Molecular consequence: synonymous variant. On other transcripts: missense variant (2), intron variant (3).
Genome position (GRCh38, 1-based): chr20:58,854,033, G>C. VCF-style: chr20-58854033-G-C. GRCh37 (hg19) VCF-style: chr20-57429088-G-C.
Other names: c.581G>C, p.Arg194Pro (NM_001077490.3, NM_001309883.1); c.768G>C, p.Ala256= (NM_001410913.1); c.*42+13147G>C (NM_016592.5); c.43+13147G>C (NM_001410912.1); c.-39+12158G>C (NM_001309861.2); short protein forms R194P.
Identifiers: ClinVar variation 3033056 (VCV003033056.2), dbSNP rs762642543, ClinGen allele CA9926547.